The following is an entry in ClinVar:

ClinVar aggregate classification (germline): Uncertain significance (1 of 4 stars; one submission).

Conditions:
LAMA2-related muscular dystrophy (LAMA2-RD). Also called: Laminin alpha 2-related dystrophy. Identifiers: MedGen C5679788, MONDO:0100228.

Allele frequency attached by ClinVar (database versions not stated): TOPMed below 0.00001.

Submission:

Labcorp Genetics (formerly Invitae), Labcorp
Classification: Uncertain significance for LAMA2-related muscular dystrophy. Last evaluated: 2022-06-20. Review status: criteria provided, single submitter. Criteria: Invitae Variant Classification Sherloc (09022015). Collection method: clinical testing. Allele origin: germline.
Comment: This sequence change replaces alanine, which is neutral and non-polar, with serine, which is neutral and polar, at codon 1805 of the LAMA2 protein (p.Ala1805Ser). This variant is not present in population databases (gnomAD no frequency). This variant has not been reported in the literature in individuals affected with LAMA2-related conditions. ClinVar contains an entry for this variant (Variation ID: 1053036). Advanced modeling of protein sequence and biophysical properties (such as structural, functional, and spatial information, amino acid conservation, physicochemical variation, residue mobility, and thermodynamic stability) performed at Invitae indicates that this missense variant is not expected to disrupt LAMA2 protein function. In summary, the available evidence is currently insufficient to determine the role of this variant in disease. Therefore, it has been classified as a Variant of Uncertain Significance.

NM_000426.4(LAMA2):c.5413G>T (p.Ala1805Ser)

Gene: LAMA2 (laminin subunit alpha 2; plus strand). Cytogenetic location: 6q22.33.
Variant type: single nucleotide variant.
Coding change: c.5413G>T on transcript NM_000426.4 (MANE Select); coding-DNA position 5413, G replaced by T.
Protein change: p.Ala1805Ser; replaces alanine 1805 with serine.
Molecular consequence: missense variant.
Genome position (GRCh38, 1-based): chr6:129,393,223, G>T. VCF-style: chr6-129393223-G-T. GRCh37 (hg19) VCF-style: chr6-129714368-G-T.
Other names: c.5413G>T, p.Ala1805Ser (NM_001079823.2); short protein forms A1805S.
Identifiers: ClinVar variation 1053036 (VCV001053036.8), dbSNP rs1779420429, ClinGen allele CA365614942.